The following is an entry in ClinVar:

NM_020937.4(FANCM):c.143C>G (p.Ala48Gly)

Gene: FANCM (FA complementation group M; plus strand). Cytogenetic location: 14q21.2.
Variant type: single nucleotide variant.
Coding change: c.143C>G on transcript NM_020937.4 (MANE Select); coding-DNA position 143, C replaced by G.
Protein change: p.Ala48Gly; replaces alanine 48 with glycine.
Molecular consequence: missense variant.
Genome position (GRCh38, 1-based): chr14:45,136,174, C>G. VCF-style: chr14-45136174-C-G. GRCh37 (hg19) VCF-style: chr14-45605377-C-G.
Other names: c.143C>G, p.Ala48Gly (NM_001308133.2, NM_001308134.2); short protein forms A48G.
Identifiers: ClinVar variation 4022673 (VCV004022673.1).

ClinVar aggregate classification (germline): Uncertain significance (1 of 4 stars; one submission).

Conditions:
Inborn genetic diseases. Identifiers: MedGen C0950123, MeSH D030342.

gnomAD v4.1: 1 of 1,614,214 alleles (0.000062%); highest among the groups gnomAD compares: Non-Finnish European, 0.000085%; no homozygotes.

Submission:

Ambry Genetics
Classification: Uncertain significance for Inborn genetic diseases. Last evaluated: 2025-04-10. Review status: criteria provided, single submitter. Criteria: Ambry Variant Classification Scheme 2023. Collection method: clinical testing. Allele origin: germline.
Comment: The p.A48G variant (also known as c.143C>G), located in coding exon 1 of the FANCM gene, results from a C to G substitution at nucleotide position 143. The alanine at codon 48 is replaced by glycine, an amino acid with similar properties. This amino acid position is conserved. In addition, this alteration is predicted to be tolerated by in silico analysis. Based on the available evidence, the clinical significance of this variant remains unclear.